The following is an entry in ClinVar:

ClinVar aggregate classification (germline): Uncertain significance (1 of 4 stars; one submission).

Conditions:
Familial hemiplegic migraine. Identifiers: MedGen C0338484, MONDO:0000700.

Submission:

Labcorp Genetics (formerly Invitae), Labcorp
Classification: Uncertain significance for Familial hemiplegic migraine. Last evaluated: 2025-02-11. Review status: criteria provided, single submitter. Criteria: Invitae Variant Classification Sherloc (09022015). Collection method: clinical testing. Allele origin: germline.
Comment: This sequence change replaces isoleucine, which is neutral and non-polar, with leucine, which is neutral and non-polar, at codon 518 of the ATP1A2 protein (p.Ile518Leu). This variant is not present in population databases (gnomAD no frequency). This variant has not been reported in the literature in individuals affected with ATP1A2-related conditions. Invitae Evidence Modeling of protein sequence and biophysical properties (such as structural, functional, and spatial information, amino acid conservation, physicochemical variation, residue mobility, and thermodynamic stability) indicates that this missense variant is not expected to disrupt ATP1A2 protein function with a negative predictive value of 80%. In summary, the available evidence is currently insufficient to determine the role of this variant in disease. Therefore, it has been classified as a Variant of Uncertain Significance.

NM_000702.4(ATP1A2):c.1552A>C (p.Ile518Leu)

Gene: ATP1A2 (ATPase Na+/K+ transporting subunit alpha 2; plus strand). Cytogenetic location: 1q23.2.
Variant type: single nucleotide variant.
Coding change: c.1552A>C on transcript NM_000702.4 (MANE Select); coding-DNA position 1552, A replaced by C.
Protein change: p.Ile518Leu; replaces isoleucine 518 with leucine.
Molecular consequence: missense variant.
Genome position (GRCh38, 1-based): chr1:160,130,192, A>C. VCF-style: chr1-160130192-A-C. GRCh37 (hg19) VCF-style: chr1-160099982-A-C.
Other names: short protein forms I518L.
Identifiers: ClinVar variation 4796830 (VCV004796830.1).
Genomic context (GRCh38, chr1:160,130,192, plus strand): 5'-CAGAGCCACGTGCTGGTGATGAAGGGGGCCCCAGAGCGCATTCTGGACCGGTGCTCCACC[A>C]TCCTGGTGCAGGGCAAGGAGATCCCGCTCGACAAGGAGATGCAAGATGCCTTTCAAAATG-3'
Protein context (NP_000693.1, residues 508-528): PERILDRCST[Ile518Leu]LVQGKEIPLD